The following is an entry in ClinVar:

NM_006517.5(SLC16A2):c.904C>T (p.Arg302Cys)

Gene: SLC16A2 (solute carrier family 16 member 2; plus strand). Cytogenetic location: Xq13.2.
Variant type: single nucleotide variant.
Coding change: c.904C>T on transcript NM_006517.5 (MANE Select); coding-DNA position 904, C replaced by T.
Protein change: p.Arg302Cys; replaces arginine 302 with cysteine.
Molecular consequence: missense variant.
Genome position (GRCh38, 1-based): chrX:74,524,687, C>T. VCF-style: chrX-74524687-C-T. GRCh37 (hg19) VCF-style: chrX-73744522-C-T.
Other names: c.1126C>T (NM_006517.3); short protein forms R302C.
Identifiers: ClinVar variation 2199011 (VCV002199011.5), dbSNP rs767519023, ClinGen allele CA10454471.

ClinVar aggregate classification (germline): Uncertain significance. Review status: criteria provided, multiple submitters, no conflicts (2 of 4 stars). 2 submissions from 2 submitters: Uncertain significance (2). Last evaluated 2025-04-28.

Conditions:
Inborn genetic diseases. Identifiers: MedGen C0950123, MeSH D030342.
Spastic paraplegia. Identifiers: MedGen C0037772, HP:0001258.

Allele frequency attached by ClinVar (database versions not stated): gnomAD exomes below 0.00001; ExAC 0.00001.
gnomAD v4.1: 5 of 1,211,896 alleles (0.00041%); highest among the groups gnomAD compares: Admixed American, 0.0043%; no homozygotes.

Submissions (2):

Ambry Genetics
Classification: Uncertain significance for Inborn genetic diseases. Last evaluated: 2025-04-28. Review status: criteria provided, single submitter. Criteria: Ambry Variant Classification Scheme 2023. Collection method: clinical testing. Allele origin: germline.

Labcorp Genetics (formerly Invitae), Labcorp
Classification: Uncertain significance for Spastic paraplegia. Last evaluated: 2022-06-01. Review status: criteria provided, single submitter. Criteria: Invitae Variant Classification Sherloc (09022015). Collection method: clinical testing. Allele origin: germline.
Comment: This variant has not been reported in the literature in individuals affected with SLC16A2-related conditions. Algorithms developed to predict the effect of missense changes on protein structure and function output the following: SIFT: "Deleterious"; PolyPhen-2: "Benign"; Align-GVGD: "Class C0". The cysteine amino acid residue is found in multiple mammalian species, which suggests that this missense change does not adversely affect protein function. In summary, the available evidence is currently insufficient to determine the role of this variant in disease. Therefore, it has been classified as a Variant of Uncertain Significance. This variant is present in population databases (rs767519023, gnomAD 0.004%). This sequence change replaces arginine, which is basic and polar, with cysteine, which is neutral and slightly polar, at codon 302 of the SLC16A2 protein (p.Arg302Cys).